The following continues an entry in ClinVar:

NM_000465.4(BARD1):c.1690C>T (p.Gln564Ter)

Gene: BARD1. ClinVar aggregate classification (germline): Pathogenic. Pathogenic (28).

Submissions 12 to 32 of 32:

Genetic Services Laboratory, University of Chicago
Classification: Pathogenic. Last evaluated: 2024-07-19. Review status: criteria provided, single submitter. Criteria: ACMG Guidelines, 2015. Collection method: clinical testing. Allele origin: germline. Affected: yes.
Comment: DNA sequence analysis of the BARD1 gene demonstrated a sequence change, c.1690C>T, which results in the creation of a premature stop codon at amino acid position 564, p.Gln564*. This pathogenic sequence change is predicted to result in an abnormal transcript, which may be degraded, or may lead to the production of a truncated BARD1 protein with potentially abnormal function. Multiple pathogenic nonsense and frameshift variants have been described downstream of this variant and loss-of-function is a known disease mechanism in this gene. This sequence change has been described in the gnomAD database with a frequency of 0.002% in the global population (dbSNP rs587780021). This pathogenic sequence change has previously been described in individuals with breast cancer, ovarian cancer, uterine cancer, and/or colon cancer (PMID: 21344236, 26329992, 26010302, 28888541, 29625052). These collective evidences indicate that this sequence change is pathogenic

CeGaT Center for Human Genetics Tuebingen
Classification: Pathogenic. Last evaluated: 2024-04-01. Review status: criteria provided, single submitter. Criteria: CeGaT Center For Human Genetics Tuebingen Variant Classification Criteria Version 2. Collection method: clinical testing. Allele origin: germline. Affected: yes. Observed: 7 variant alleles.
Comment: BARD1: PVS1, PS4

Clinical Genetics Laboratory, Skane University Hospital Lund
Classification: Pathogenic. Last evaluated: 2024-02-02. Review status: criteria provided, single submitter. Criteria: ACMG Guidelines, 2015. Collection method: clinical testing. Allele origin: germline. Affected: yes.

Baylor Genetics
Classification: Pathogenic for Familial cancer of breast. Last evaluated: 2023-11-27. Review status: criteria provided, single submitter. Criteria: ACMG Guidelines, 2015. Collection method: clinical testing. Allele origin: unknown.

Myriad Genetics, Inc.
Classification: Pathogenic for Familial cancer of breast. Last evaluated: 2023-05-23. Review status: criteria provided, single submitter. Criteria: Myriad Autosomal Dominant, Autosomal Recessive and X-Linked Classification Criteria (2023). Collection method: clinical testing. Allele origin: unknown.
Comment: This variant is considered pathogenic. This variant creates a termination codon and is predicted to result in premature protein truncation.

Centre for Mendelian Genomics, University Medical Centre Ljubljana
Classification: Pathogenic for Familial cancer of breast. Last evaluated: 2022-12-09. Review status: criteria provided, single submitter. Criteria: ACMG Guidelines, 2015. Collection method: research. Allele origin: germline. Affected: no.
Comment: PVS1, PS3, PS4_STR

MGZ Medical Genetics Center
Classification: Pathogenic for Familial cancer of breast. Last evaluated: 2022-07-20. Review status: criteria provided, single submitter. Criteria: ACMG Guidelines, 2015. Collection method: clinical testing. Allele origin: germline. Affected: yes. Observed: 1 variant allele.
Comment: ACMG criteria applied: PVS1, PS4_MOD, PS3_SUP, PM2_SUP

GeneDx
Classification: Pathogenic. Last evaluated: 2022-04-16. Review status: criteria provided, single submitter. Criteria: GeneDx Variant Classification Process June 2021. Collection method: clinical testing. Allele origin: germline. Affected: yes.
Comment: Nonsense variant predicted to result in protein truncation or nonsense mediated decay in a gene for which loss-of-function is a known mechanism of disease; Published functional studies demonstrate a damaging effect: significantly reduced homology-directed repair and may result in abnormal splicing (Ratajska 2015, Adamovich 2019); Case control studies suggest this variant is associated with breast cancer (Suszynska 2019); Observed in multiple individuals with personal and/or family history of breast, ovarian, colorectal, or endometrial cancer (Ratajska 2012, Blazer 2015, De Brakeleer 2015, Klonowska 2015, Ramus 2015, Maxwell 2016, Ring 2016, Weber-Lassalle 2019); This variant is associated with the following publications: (PMID: 25330149, 26075229, 26083025, 27443514, 31371347, 26681312, 31589614, 29922827, 28888541, 32726901, 21344236, 26010302, 25994375, 25980754, 26539620, 26738429, 26315354, 28030839, 27153395, 26329992, 30925164, 31036035, 28008555, 30675285, 31173646, 31142030, 29506128, 30947698, 31159747, 29625052, 26689913)

Institute for Clinical Genetics, University Hospital TU Dresden, University Hospital TU Dresden
Classification: Pathogenic. Last evaluated: 2021-11-03. Review status: criteria provided, single submitter. Criteria: ACMG Guidelines, 2015. Collection method: clinical testing. Allele origin: germline.

Sema4
Classification: Pathogenic for Hereditary cancer-predisposing syndrome. Last evaluated: 2021-09-04. Review status: criteria provided, single submitter. Criteria: Sema4 Curation Guidelines. Collection method: curation. Allele origin: germline.
Comment: The BARD1 c.1690C>T (p.Q564X) variant has been reported in heterozygosity in multiple individuals with breast and/or ovarian cancer (PMID: 25994375, 26689913, 27153395, 29625052, 31036035, 26329992, 33471991). This nonsense variant creates a premature stop codon at residue 564 of the BARD1 protein. At this location, this is predicted to cause nonsense-mediated decay and result in an absent protein (loss of function). Loss of function variants in BARD1 are known to be pathogenic. This variant was observed in 7/129052 chromosomes in the Non-Finnish European population according to the Genome Aggregation Database (PMID: 32461654). This variant has been reported in ClinVar (Variation ID: 127720). Based on the current evidence available, this variant is interpreted as pathogenic.

Department of Pathology and Laboratory Medicine, Sinai Health System
Classification: Pathogenic for BARD1-related cancer predisposition. Last evaluated: 2021-02-19. Review status: criteria provided, single submitter. Criteria: ACMG Guidelines, 2015. Collection method: clinical testing. Allele origin: germline. Affected: no.

Revvity Omics, Revvity
Classification: Pathogenic. Last evaluated: 2021-01-21. Review status: criteria provided, single submitter. Criteria: ACMG Guidelines, 2015. Collection method: clinical testing. Allele origin: germline.

Institute of Medical Genetics and Applied Genomics, University Hospital Tübingen
Classification: Pathogenic. Last evaluated: 2020-10-23. Review status: criteria provided, single submitter. Criteria: ACMG Guidelines, 2015. Collection method: clinical testing. Allele origin: germline. Inheritance: Autosomal dominant inheritance. Affected: yes.

GeneKor MSA
Classification: Pathogenic. Last evaluated: 2020-01-01. Review status: criteria provided, single submitter. Criteria: ACMG Guidelines, 2015. Collection method: clinical testing. Allele origin: germline.
Comment: This variant results in the creation of a premature translational stop signal at codon 564 of the BARD1 protein (p.Gln564*). It is expected to result in absent or disrupted protein product. This variant has been described in the literature in patients with a strong family or personal history of breast and/or ovarian cancer (PMID: 21344236, PMID: 25994375, PMID: 26010302).The mutation database ClinVar contains an entry for this variant (Variation ID: 127720).

Women's Health and Genetics/Laboratory Corporation of America, LabCorp
Classification: Pathogenic for Hereditary breast and ovarian cancer syndrome. Last evaluated: 2019-12-10. Review status: criteria provided, single submitter. Criteria: LabCorp Variant Classification Summary - May 2015. Collection method: clinical testing. Allele origin: germline.
Comment: Variant summary: BARD1 c.1690C>T (p.Gln564X) results in a premature termination codon, predicted to cause a truncation of the encoded protein or absence of the protein due to nonsense mediated decay, which are commonly known mechanisms for disease. 5/5 computational tools predict no significant impact on normal splicing. However, Ratajska_2015 report that this variant may have an impact on splicing alteration. The variant allele was found at a frequency of 2.4e-05 in 252390 control chromosomes (gnomAD). c.1690C>T has been reported in the literature in multiple individuals affected with breast and/or ovarian cancer patients (e.g. Cybulski_2014, Weber-Lassalle_2019). These data indicate that the variant is very likely to be associated with disease. Nine other ClinVar submitters (evaluation after 2014) cite the variant as pathogenic. Based on the evidence outlined above, the variant was classified as pathogenic.

Fulgent Genetics
Classification: Pathogenic for Familial cancer of breast. Last evaluated: 2018-10-31. Review status: criteria provided, single submitter. Criteria: ACMG Guidelines, 2015. Collection method: clinical testing. Allele origin: unknown.

Mendelics
Classification: Pathogenic for Familial cancer of breast. Last evaluated: 2018-07-02. Review status: criteria provided, single submitter. Criteria: Mendelics Assertion Criteria 2017. Collection method: clinical testing. Allele origin: unknown.

CZECANCA consortium
Classification: Pathogenic for Endometrial carcinoma. Last evaluated: 2023-02-21. Review status: no assertion criteria provided. Collection method: clinical testing. Allele origin: germline. Affected: yes. Observed: 1 variant allele. Not counted in ClinVar's aggregate classification.

BRCAlab, Lund University
Classification: Pathogenic for Familial cancer of breast. Last evaluated: 2022-08-26. Review status: no assertion criteria provided. Collection method: clinical testing. Allele origin: germline. Affected: yes. Not counted in ClinVar's aggregate classification.

CZECANCA consortium
Classification: Pathogenic for Breast and/or ovarian cancer. Last evaluated: 2019-06-11. Review status: no assertion criteria provided. Collection method: clinical testing. Allele origin: germline. Affected: yes. Observed: 2 variant alleles. Not counted in ClinVar's aggregate classification.

Lab. Molecular Oncology, VUB, Free University of Brussels
Classification: Pathogenic for Triple-Negative Breast Cancer Finding. Last evaluated: 2015-02-01. Review status: no assertion criteria provided. Collection method: clinical testing. Allele origin: germline. Affected: yes. Not counted in ClinVar's aggregate classification.

Literature cited by the submitters: PubMed 20077502 (cited by Labcorp Genetics (formerly Invitae), Labcorp); PubMed 21344236 (cited by 5 submitters); PubMed 25994375 (cited by 6 submitters); PubMed 26010302 (cited by 6 submitters); PubMed 26315354 (cited by 6 submitters); PubMed 26329992 (cited by 7 submitters); PubMed 26681312 (cited by 4 submitters); PubMed 27443514 (cited by 5 submitters); PubMed 28008555 (cited by 5 submitters); PubMed 29625052 (cited by Color Diagnostics, LLC DBA Color Health and Sema4); PubMed 30947698 (cited by 3 submitters); PubMed 31036035 (cited by 6 submitters); PubMed 32679805 (cited by Color Diagnostics, LLC DBA Color Health); PubMed 33471991 (cited by Color Diagnostics, LLC DBA Color Health and Sema4); PubMed 37239058 (cited by Color Diagnostics, LLC DBA Color Health and Quest Diagnostics Nichols Institute San Juan Capistrano); PubMed 37563628 (cited by Color Diagnostics, LLC DBA Color Health and Quest Diagnostics Nichols Institute San Juan Capistrano); PubMed 31142030 (cited by Center for Genomic Medicine, Rigshospitalet, Copenhagen University Hospital); PubMed 25330149 (cited by 3 submitters); PubMed 25980754 (cited by 4 submitters); PubMed 27153395 (cited by Quest Diagnostics Nichols Institute San Juan Capistrano and Sema4); PubMed 26689913 (cited by Sema4); PubMed 26075229 (cited by Women's Health and Genetics/Laboratory Corporation of America, LabCorp); PubMed 32295079 (cited by CZECANCA consortium).